The following is an entry in ClinVar:

NM_000368.5(TSC1):c.1193C>T (p.Ala398Val)

Gene: TSC1 (TSC complex subunit 1; minus strand). Cytogenetic location: 9q34.13.
Variant type: single nucleotide variant.
Coding change: c.1193C>T on transcript NM_000368.5 (MANE Select); coding-DNA position 1193, C replaced by T.
Protein change: p.Ala398Val; replaces alanine 398 with valine.
Molecular consequence: missense variant.
Genome position (GRCh38, 1-based): chr9:132,910,641, G>A on the plus strand (C>T on the coding strand, the complement: TSC1 is on the minus strand). VCF-style: chr9-132910641-G-A. GRCh37 (hg19) VCF-style: chr9-135786028-G-A.
Other names: c.1190C>T, p.Ala397Val (NM_001162426.2); c.1040C>T, p.Ala347Val (NM_001162427.2); c.830C>T, p.Ala277Val (NM_001362177.2); c.1193C>T (NM_000368.4); short protein forms A277V, A347V, A397V, A398V.
Identifiers: ClinVar variation 1023970 (VCV001023970.13), dbSNP rs918660416, ClinGen allele CA200893852.

ClinVar aggregate classification (germline): Conflicting classifications of pathogenicity. Review status: criteria provided, conflicting classifications (1 of 4 stars). 4 submissions from 4 submitters: Uncertain significance (3); Likely benign (1). Last evaluated 2025-05-09.

Conditions:
Hereditary cancer-predisposing syndrome. Also called: Hereditary neoplastic syndrome; Neoplastic Syndromes, Hereditary; Tumor predisposition; Hereditary Cancer Syndrome. Identifiers: Orphanet 140162, MedGen C0027672, MeSH D009386, MONDO:0015356.
Tuberous sclerosis syndrome (TSC). Also called: Tuberous Sclerosis Complex; Tuberous sclerosis. Identifiers: Orphanet 805, MedGen C0041341, MONDO:0001734.
Tuberous sclerosis 1 (TSC1). Identifiers: Orphanet 805, MedGen C1854465, MONDO:0008612, OMIM 191100.

Allele frequency attached by ClinVar (database versions not stated): gnomAD 0.00001; TOPMed 0.00002.
gnomAD v4.1: 1 of 1,614,020 alleles (0.000062%); highest among the groups gnomAD compares: African/African-American, 0.0013%; no homozygotes.

Submissions (4):

Ambry Genetics
Classification: Likely benign for Hereditary cancer-predisposing syndrome. Last evaluated: 2025-05-09. Review status: criteria provided, single submitter. Criteria: Ambry Variant Classification Scheme 2023. Collection method: clinical testing. Allele origin: germline.

Color Diagnostics, LLC DBA Color Health
Classification: Uncertain significance for Tuberous sclerosis syndrome. Last evaluated: 2024-03-06. Review status: criteria provided, single submitter. Criteria: ACMG Guidelines, 2015. Collection method: clinical testing. Allele origin: germline.
Comment: This variant is located in the TSC1 protein. Computational prediction suggests that this variant may not impact protein structure and function. To our knowledge, functional studies have not been reported for this variant. This variant has not been reported in individuals affected with TSC1-related disorders in the literature. This variant has not been identified in the general population by the Genome Aggregation Database (gnomAD). The available evidence is insufficient to determine the role of this variant in disease conclusively. Therefore, this variant is classified as a Variant of Uncertain Significance.

Labcorp Genetics (formerly Invitae), Labcorp
Classification: Uncertain significance for Tuberous sclerosis 1. Last evaluated: 2023-11-10. Review status: criteria provided, single submitter. Criteria: Invitae Variant Classification Sherloc (09022015). Collection method: clinical testing. Allele origin: germline.
Comment: This sequence change replaces alanine, which is neutral and non-polar, with valine, which is neutral and non-polar, at codon 398 of the TSC1 protein (p.Ala398Val). This variant is not present in population databases (gnomAD no frequency). This variant has not been reported in the literature in individuals affected with TSC1-related conditions. ClinVar contains an entry for this variant (Variation ID: 1023970). Advanced modeling of protein sequence and biophysical properties (such as structural, functional, and spatial information, amino acid conservation, physicochemical variation, residue mobility, and thermodynamic stability) performed at Invitae indicates that this missense variant is not expected to disrupt TSC1 protein function with a negative predictive value of 95%. In summary, the available evidence is currently insufficient to determine the role of this variant in disease. Therefore, it has been classified as a Variant of Uncertain Significance.

All of Us Research Program, National Institutes of Health
Classification: Uncertain significance for Tuberous sclerosis syndrome. Last evaluated: 2023-09-17. Review status: criteria provided, single submitter. Criteria: ACMG Guidelines, 2015. Collection method: clinical testing. Allele origin: germline. Inheritance: Autosomal dominant inheritance. Observed: 1 variant allele, 1 heterozygote.
Comment: This missense variant replaces alanine with valine at codon 398 of the TSC1 protein. Computational prediction suggests that this variant may not impact protein structure and function (internally defined REVEL score threshold <= 0.5, PMID: 27666373). To our knowledge, functional studies have not been reported for this variant. This variant has not been reported in individuals affected with hereditary cancer in the literature. This variant has not been identified in the general population by the Genome Aggregation Database (gnomAD). The available evidence is insufficient to determine the role of this variant in disease conclusively. Therefore, this variant is classified as a Variant of Uncertain Significance.

This study involves interpretation of variants in research participants for the purpose of population health screening. Participant phenotype was not available at the time of variant classification. Additional details can be found in publication PMID: 35346344, PMCID: PMC8962531